The following is an entry in ClinVar:

ClinVar aggregate classification (germline): Uncertain significance. Review status: criteria provided, multiple submitters, no conflicts (2 of 4 stars). 2 submissions from 2 submitters: Uncertain significance (2). Last evaluated 2023-10-09.

Conditions:
Hereditary breast ovarian cancer syndrome. Also called: Hereditary breast and ovarian cancer syndrome; Hereditary breast and ovarian cancer; Hereditary breast and ovarian cancer syndrome (HBOC); Breast and ovarian cancer; Hereditary breast and/or ovarian cancer syndrome; BRCA1- and BRCA2-Associated Hereditary Breast and Ovarian Cancer. Identifiers: Orphanet 145, MedGen C0677776, MeSH D061325, MONDO:0003582. Disease mechanism: loss of function.
Hereditary cancer-predisposing syndrome. Also called: Neoplastic Syndromes, Hereditary; Tumor predisposition; Hereditary neoplastic syndrome; Hereditary Cancer Syndrome. Identifiers: Orphanet 140162, MedGen C0027672, MeSH D009386, MONDO:0015356.

Submissions (2):

Labcorp Genetics (formerly Invitae), Labcorp
Classification: Uncertain significance for Hereditary breast ovarian cancer syndrome. Last evaluated: 2023-10-09. Review status: criteria provided, single submitter. Criteria: Invitae Variant Classification Sherloc (09022015). Collection method: clinical testing. Allele origin: germline.
Comment: This sequence change replaces glutamine, which is neutral and polar, with arginine, which is basic and polar, at codon 92 of the BRCA2 protein (p.Gln92Arg). This variant is not present in population databases (gnomAD no frequency). This missense change has been observed in individual(s) with pancreatic ductal adenocarcinoma (PMID: 28767289). ClinVar contains an entry for this variant (Variation ID: 628149). Advanced modeling of protein sequence and biophysical properties (such as structural, functional, and spatial information, amino acid conservation, physicochemical variation, residue mobility, and thermodynamic stability) performed at Invitae indicates that this missense variant is not expected to disrupt BRCA2 protein function. In summary, the available evidence is currently insufficient to determine the role of this variant in disease. Therefore, it has been classified as a Variant of Uncertain Significance.

Color Diagnostics, LLC DBA Color Health
Classification: Uncertain significance for Hereditary cancer-predisposing syndrome. Last evaluated: 2019-04-22. Review status: criteria provided, single submitter. Criteria: ACMG Guidelines, 2015. Collection method: clinical testing. Allele origin: germline.

Literature cited by the submitters: PubMed 28767289 (cited by Labcorp Genetics (formerly Invitae), Labcorp).

NM_000059.4(BRCA2):c.275A>G (p.Gln92Arg)

Gene: BRCA2 (BRCA2 DNA repair associated; plus strand). Cytogenetic location: 13q13.1.
Variant type: single nucleotide variant.
Coding change: c.275A>G on transcript NM_000059.4 (MANE Select); coding-DNA position 275, A replaced by G.
Protein change: p.Gln92Arg; replaces glutamine 92 with arginine.
Molecular consequence: missense variant.
Genome position (GRCh38, 1-based): chr13:32,319,284, A>G. VCF-style: chr13-32319284-A-G. GRCh37 (hg19) VCF-style: chr13-32893421-A-G.
Other names: short protein forms Q92R.
Identifiers: ClinVar variation 628149 (VCV000628149.6), dbSNP rs1566216040, ClinGen allele CA387754588.